The following is an entry in ClinVar:

NM_014639.4(SKIC3):c.49A>G (p.Ile17Val)

Gene: SKIC3 (SKI3 subunit of superkiller complex; minus strand). Cytogenetic location: 5q15.
Variant type: single nucleotide variant.
Coding change: c.49A>G on transcript NM_014639.4 (MANE Select); coding-DNA position 49, A replaced by G.
Protein change: p.Ile17Val; replaces isoleucine 17 with valine.
Molecular consequence: missense variant.
Genome position (GRCh38, 1-based): chr5:95,547,102, T>C on the plus strand (A>G on the coding strand, the complement: SKIC3 is on the minus strand). VCF-style: chr5-95547102-T-C. GRCh37 (hg19) VCF-style: chr5-94882806-T-C.
Other names: short protein forms I17V.
Identifiers: ClinVar variation 2126019 (VCV002126019.4), dbSNP rs2530815181, ClinGen allele CA360448277.

ClinVar aggregate classification (germline): Uncertain significance (1 of 4 stars; one submission).

Submission:

Labcorp Genetics (formerly Invitae), Labcorp
Classification: Uncertain significance. Last evaluated: 2022-04-13. Review status: criteria provided, single submitter. Criteria: Invitae Variant Classification Sherloc (09022015). Collection method: clinical testing. Allele origin: germline.
Comment: This sequence change replaces isoleucine, which is neutral and non-polar, with valine, which is neutral and non-polar, at codon 17 of the TTC37 protein (p.Ile17Val). This variant is not present in population databases (gnomAD no frequency). This variant has not been reported in the literature in individuals affected with TTC37-related conditions. Algorithms developed to predict the effect of missense changes on protein structure and function are either unavailable or do not agree on the potential impact of this missense change (SIFT: "Tolerated"; PolyPhen-2: "Probably Damaging"; Align-GVGD: "Class C0"). In summary, the available evidence is currently insufficient to determine the role of this variant in disease. Therefore, it has been classified as a Variant of Uncertain Significance.